The following is an entry in ClinVar:

ClinVar aggregate classification (germline): Benign. Review status: criteria provided, multiple submitters, no conflicts (2 of 4 stars). 3 submissions from 3 submitters: Benign (3). Last evaluated 2026-01-26.

Conditions:
Combined immunodeficiency due to OX40 deficiency. Also called: OX40 DEFICIENCY; Immunodeficiency 16. Identifiers: Orphanet 431149, MedGen C3810053, MONDO:0014268, OMIM 615593.

Allele frequency attached by ClinVar (database versions not stated): gnomAD exomes 0.09151 and 0.08344; ExAC 0.13376; ESP Exome Variant Server 0.06165; TOPMed 0.07864; gnomAD 0.07989 and 0.08109; 1000 Genomes Project 30x 0.08276; 1000 Genomes Project 0.08506.

Submissions (3):

Labcorp Genetics (formerly Invitae), Labcorp
Classification: Benign for Combined immunodeficiency due to OX40 deficiency. Last evaluated: 2026-01-26. Review status: criteria provided, single submitter. Criteria: Invitae Variant Classification Sherloc (09022015). Collection method: clinical testing. Allele origin: germline.

GeneDx
Classification: Benign. Last evaluated: 2021-06-19. Review status: criteria provided, single submitter. Criteria: GeneDx Variant Classification Process June 2021. Collection method: clinical testing. Allele origin: germline. Affected: yes.
Comment: This variant is associated with the following publications: (PMID: 16329997)

Breakthrough Genomics
Classification: Benign. Review status: criteria provided, single submitter. Criteria: ACMG Guidelines, 2015. Collection method: not provided. Allele origin: germline. Inheritance: Autosomal recessive inheritance. Affected: yes.

NM_003327.4(TNFRSF4):c.634+25C>T

Gene: TNFRSF4 (TNF receptor superfamily member 4; minus strand). Cytogenetic location: 1p36.33.
Variant type: single nucleotide variant.
Coding change: c.634+25C>T on transcript NM_003327.4 (MANE Select); 25 bases into the intron after coding-DNA position 634, C replaced by T.
Molecular consequence: intron variant.
Genome position (GRCh38, 1-based): chr1:1,211,917, G>A on the plus strand (C>T on the coding strand, the complement: TNFRSF4 is on the minus strand). VCF-style: chr1-1211917-G-A. GRCh37 (hg19) VCF-style: chr1-1147297-G-A.
Identifiers: ClinVar variation 1168340 (VCV001168340.10), dbSNP rs2298212, ClinGen allele CA512395.
Genomic context (GRCh38, chr1:1,211,917, plus strand): 5'-GGGTCCACAGGAGGGGCCCCCATGCCGCCCTCCCCTTCTCCTATTCGGGTTGGGGGCCCC[G>A]CTGGGCTGGGCCAGGCGCCCTTACCCCCGGGGACCTCCACGGGCCGGGTGGAGGGTCCCT-3'